The following is an entry in ClinVar:

ClinVar aggregate classification (germline): Uncertain significance (1 of 4 stars; one submission).

Conditions:
Arrhythmogenic right ventricular dysplasia 10. Also called: Arrhythmogenic Right Ventricular Dysplasia/Cardiomyopathy10; Arrhythmogenic right ventricular dysplasia/cardiomyopathy, type 10; ARRHYTHMOGENIC RIGHT VENTRICULAR DYSPLASIA, FAMILIAL, 10. Identifiers: MedGen C1857777, MONDO:0012434, OMIM 610193.

gnomAD v4.1: 1 of 1,613,476 alleles (0.000062%); highest among the groups gnomAD compares: Non-Finnish European, 0.000085%; no homozygotes.

Submission:

Labcorp Genetics (formerly Invitae), Labcorp
Classification: Uncertain significance for Arrhythmogenic right ventricular dysplasia 10. Last evaluated: 2024-10-01. Review status: criteria provided, single submitter. Criteria: Invitae Variant Classification Sherloc (09022015). Collection method: clinical testing. Allele origin: germline.
Comment: This sequence change replaces valine, which is neutral and non-polar, with leucine, which is neutral and non-polar, at codon 158 of the DSG2 protein (p.Val158Leu). This variant is not present in population databases (gnomAD no frequency). This variant has not been reported in the literature in individuals affected with DSG2-related conditions. Invitae Evidence Modeling of protein sequence and biophysical properties (such as structural, functional, and spatial information, amino acid conservation, physicochemical variation, residue mobility, and thermodynamic stability) indicates that this missense variant is not expected to disrupt DSG2 protein function with a negative predictive value of 95%. In summary, the available evidence is currently insufficient to determine the role of this variant in disease. Therefore, it has been classified as a Variant of Uncertain Significance.

NM_001943.5(DSG2):c.472G>T (p.Val158Leu)

Gene: DSG2 (desmoglein 2; plus strand). Cytogenetic location: 18q12.1.
Variant type: single nucleotide variant.
Coding change: c.472G>T on transcript NM_001943.5 (MANE Select); coding-DNA position 472, G replaced by T.
Protein change: p.Val158Leu; replaces valine 158 with leucine.
Molecular consequence: missense variant.
Genome position (GRCh38, 1-based): chr18:31,521,192, G>T. VCF-style: chr18-31521192-G-T. GRCh37 (hg19) VCF-style: chr18-29101155-G-T.
Other names: short protein forms V158L.
Identifiers: ClinVar variation 3637543 (VCV003637543.2).